The following is an entry in ClinVar:

NM_080473.5(GATA5):c.802G>A (p.Gly268Ser)

Gene: GATA5 (GATA binding protein 5; minus strand). Cytogenetic location: 20q13.33.
Variant type: single nucleotide variant.
Coding change: c.802G>A on transcript NM_080473.5 (MANE Select); coding-DNA position 802, G replaced by A.
Protein change: p.Gly268Ser; replaces glycine 268 with serine.
Molecular consequence: missense variant.
Genome position (GRCh38, 1-based): chr20:62,466,449, C>T on the plus strand (G>A on the coding strand, the complement: GATA5 is on the minus strand). VCF-style: chr20-62466449-C-T. GRCh37 (hg19) VCF-style: chr20-61041505-C-T.
Other names: short protein forms G268S.
Identifiers: ClinVar variation 1447174 (VCV001447174.8), dbSNP rs541716158, ClinGen allele CA9946194.

ClinVar aggregate classification (germline): Uncertain significance (1 of 4 stars; one submission).

Allele frequency attached by ClinVar (database versions not stated): gnomAD exomes 0.00001.
gnomAD v4.1: 8 of 1,585,280 alleles (0.0005%); highest among the groups gnomAD compares: East Asian, 0.0023%; no homozygotes.

Submission:

Labcorp Genetics (formerly Invitae), Labcorp
Classification: Uncertain significance. Last evaluated: 2025-10-28. Review status: criteria provided, single submitter. Criteria: Invitae Variant Classification Sherloc (09022015). Collection method: clinical testing. Allele origin: germline.
Comment: This sequence change replaces glycine, which is neutral and non-polar, with serine, which is neutral and polar, at codon 268 of the GATA5 protein (p.Gly268Ser). The frequency data for this variant in the population databases is considered unreliable, as metrics indicate poor data quality at this position in the gnomAD database. This variant has not been reported in the literature in individuals affected with GATA5-related conditions. ClinVar contains an entry for this variant (Variation ID: 1447174). Invitae Evidence Modeling of protein sequence and biophysical properties (such as structural, functional, and spatial information, amino acid conservation, physicochemical variation, residue mobility, and thermodynamic stability) indicates that this missense variant is expected to disrupt GATA5 protein function with a positive predictive value of 80%. In summary, the available evidence is currently insufficient to determine the role of this variant in disease. Therefore, it has been classified as a Variant of Uncertain Significance.